The following is an entry in ClinVar:

NM_021620.4(PRDM13):c.1879A>C (p.Asn627His)

Gene: PRDM13 (PR/SET domain 13; plus strand). Cytogenetic location: 6q16.2.
Variant type: single nucleotide variant.
Coding change: c.1879A>C on transcript NM_021620.4 (MANE Select); coding-DNA position 1879, A replaced by C.
Protein change: p.Asn627His; replaces asparagine 627 with histidine.
Molecular consequence: missense variant.
Genome position (GRCh38, 1-based): chr6:99,614,514, A>C. VCF-style: chr6-99614514-A-C. GRCh37 (hg19) VCF-style: chr6-100062390-A-C.
Other names: c.1879A>C (NM_021620.3); short protein forms N627H.
Identifiers: ClinVar variation 1973309 (VCV001973309.6), dbSNP rs542552328, ClinGen allele CA3936458.

ClinVar aggregate classification (germline): Uncertain significance. Review status: criteria provided, multiple submitters, no conflicts (2 of 4 stars). 2 submissions from 2 submitters: Uncertain significance (2). Last evaluated 2026-04-04.

Conditions:
PRDM13-related disorder. Also called: PRDM13-related condition.

Allele frequency attached by ClinVar (database versions not stated): gnomAD 0.00001; ExAC 0.00003; 1000 Genomes Project 30x 0.00016; 1000 Genomes Project 0.00020.
gnomAD v4.1: 10 of 1,613,242 alleles (0.00062%); highest among the groups gnomAD compares: Non-Finnish European, 0.00085%; no homozygotes.

Submissions (2):

PreventionGenetics, part of Exact Sciences
Classification: Uncertain significance for PRDM13-related condition. Last evaluated: 2026-04-04. Review status: criteria provided, single submitter. Criteria: ACMG Guidelines, 2015. Collection method: clinical testing. Allele origin: germline.
Comment: The PRDM13 c.1879A>C variant is predicted to result in the amino acid substitution p.Asn627His. To our knowledge, this variant has not been reported in the literature. This variant is reported in 0.0036% of alleles in individuals of European (Non-Finnish) descent in gnomAD. At this time, the clinical significance of this variant is uncertain due to the absence of conclusive functional and genetic evidence.

Labcorp Genetics (formerly Invitae), Labcorp
Classification: Uncertain significance. Last evaluated: 2022-06-04. Review status: criteria provided, single submitter. Criteria: Invitae Variant Classification Sherloc (09022015). Collection method: clinical testing. Allele origin: germline.
Comment: This sequence change replaces asparagine, which is neutral and polar, with histidine, which is basic and polar, at codon 627 of the PRDM13 protein (p.Asn627His). This variant is present in population databases (rs542552328, gnomAD 0.004%). This variant has not been reported in the literature in individuals affected with PRDM13-related conditions. Algorithms developed to predict the effect of missense changes on protein structure and function (SIFT, PolyPhen-2, Align-GVGD) all suggest that this variant is likely to be disruptive. In summary, the available evidence is currently insufficient to determine the role of this variant in disease. Therefore, it has been classified as a Variant of Uncertain Significance.